The following is an entry in ClinVar:

ClinVar aggregate classification (germline): Uncertain significance (1 of 4 stars; one submission).

Conditions:
Hypertrophic cardiomyopathy. Also called: HYPERTROPHIC MYOCARDIOPATHY. Identifiers: Orphanet 217569, MedGen C0007194, MeSH D002312, MONDO:0005045, HP:0001639.

Submission:

Labcorp Genetics (formerly Invitae), Labcorp
Classification: Uncertain significance for Hypertrophic cardiomyopathy. Last evaluated: 2025-07-25. Review status: criteria provided, single submitter. Criteria: Invitae Variant Classification Sherloc (09022015). Collection method: clinical testing. Allele origin: germline.
Comment: This variant, c.2123_2125del, results in the deletion of 1 amino acid(s) of the MYOM1 protein (p.Tyr708del), but otherwise preserves the integrity of the reading frame. This variant is present in population databases (rs761028638, gnomAD 0.03%). This variant has not been reported in the literature in individuals affected with MYOM1-related conditions. ClinVar contains an entry for this variant (Variation ID: 948499). Experimental studies and prediction algorithms are not available or were not evaluated, and the functional significance of this variant is currently unknown. In summary, the available evidence is currently insufficient to determine the role of this variant in disease. Therefore, it has been classified as a Variant of Uncertain Significance.

NM_003803.4(MYOM1):c.2123_2125del (p.Tyr708del)

Gene: MYOM1 (myomesin 1; minus strand). Cytogenetic location: 18p11.31.
Variant type: Deletion.
Coding change: c.2123_2125del on transcript NM_003803.4 (MANE Select); coding-DNA positions 2123 to 2125, 3 bases deleted (ACT; older notation c.2123_2125delACT).
Protein change: p.Tyr708del; deletes tyrosine 708.
Molecular consequence: inframe deletion.
Genome position (GRCh38, 1-based): chr18:3,135,631-3,135,633, AGT deleted on the plus strand (ACT on the coding strand, the reverse complement: MYOM1 is on the minus strand); deleting any 3 consecutive bases within chr18:3,135,631-3,135,635 gives the same sequence; the c. name uses the placement nearest the transcript's 3' end. VCF-style (leftmost placement, unchanged base first): chr18-3135630-CAGT-C. GRCh37 (hg19) VCF-style: chr18-3135628-CAGT-C.
Other names: c.2123_2125del, p.Tyr708del (NM_019856.2); short protein forms Y708del.
Identifiers: ClinVar variation 948499 (VCV000948499.11), dbSNP rs761028638, ClinGen allele CA8874739.